The following is an entry in ClinVar:

NM_015268.4(DNAJC13):c.2550-6del

Gene: DNAJC13 (DnaJ heat shock protein family (Hsp40) member C13; plus strand). Cytogenetic location: 3q22.1.
Variant type: Deletion.
Coding change: c.2550-6del on transcript NM_015268.4 (MANE Select); 6 bases into the intron before coding-DNA position 2550, one base deleted (A; older notation c.2550-6delA).
Molecular consequence: intron variant.
Genome position (GRCh38, 1-based): chr3:132,477,975, A deleted; the last of 4 consecutive A bases (chr3:132,477,972-132,477,975); deleting any one gives the same sequence. VCF-style (leftmost placement, unchanged base first): chr3-132477971-TA-T. GRCh37 (hg19) VCF-style: chr3-132196815-TA-T.
Other names: c.2565-6del (NM_001329126.2).
Identifiers: ClinVar variation 733480 (VCV000733480.6), dbSNP rs113935713, ClinGen allele CA2619023.

ClinVar aggregate classification (germline): Benign/Likely benign. Review status: criteria provided, multiple submitters, no conflicts (2 of 4 stars). 3 submissions from 3 submitters: Benign (1); Likely benign (2). Last evaluated 2024-11-26.

Submissions (3):

Blueprint Genetics
Classification: Likely benign. Last evaluated: 2024-11-26. Review status: criteria provided, single submitter. Criteria: ACMG Guidelines, 2015. Collection method: clinical testing. Allele origin: germline.

Labcorp Genetics (formerly Invitae), Labcorp
Classification: Benign. Last evaluated: 2019-12-31. Review status: criteria provided, single submitter. Criteria: Invitae Variant Classification Sherloc (09022015). Collection method: clinical testing. Allele origin: germline.

GeneDx
Classification: Likely benign. Last evaluated: 2018-07-14. Review status: criteria provided, single submitter. Criteria: GeneDx Variant Classification Process June 2021. Collection method: clinical testing. Allele origin: germline. Affected: yes.
Comment: See Variant Classification Assertion Criteria.